The following is an entry in ClinVar:

ClinVar aggregate classification (germline): Benign/Likely benign. Review status: criteria provided, multiple submitters, no conflicts (2 of 4 stars). 2 submissions from 2 submitters: Benign (1); Likely benign (1). Last evaluated 2025-08-14.

Conditions:
Developmental and epileptic encephalopathy, 2 (DEE2). Also called: INFANTILE SPASM SYNDROME, X-LINKED 2; CDKL5 deficiency disorder. Identifiers: Orphanet 1934, Orphanet 3451, Orphanet 505652, MedGen C4750718, MONDO:0010396, OMIM 300672.
Angelman syndrome-like. Identifiers: MedGen CN128785.

Allele frequency attached by ClinVar (database versions not stated): ExAC 0.00001; gnomAD exomes 0.00002 and 0.00003; TOPMed 0.00004; gnomAD 0.00005 and 0.00007.
gnomAD v4.1: 26 of 1,210,114 alleles (0.0021%); highest among the groups gnomAD compares: African/African-American, 0.019%; 1 homozygote.

Submissions (3):

Labcorp Genetics (formerly Invitae), Labcorp
Classification: Benign for Developmental and epileptic encephalopathy, 2; Angelman syndrome-like. Last evaluated: 2025-08-14. Review status: criteria provided, single submitter. Criteria: Invitae Variant Classification Sherloc (09022015). Collection method: clinical testing. Allele origin: germline.

GeneDx
Classification: Likely benign. Last evaluated: 2022-05-05. Review status: criteria provided, single submitter. Criteria: GeneDx Variant Classification Process June 2021. Collection method: clinical testing. Allele origin: germline. Affected: yes.
Comment: See Variant Classification Assertion Criteria.

Dr. Peter K. Rogan Lab, Western University
No classification provided (evidence only). Condition: Thyroid cancer, nonmedullary, 1. Review status: no classification provided. Collection method: in vitro. Allele origin: not applicable. Functional consequence: retained intron. Not counted in ClinVar's aggregate classification.

NM_001323289.2(CDKL5):c.1818A>G (p.Gln606=)

Gene: CDKL5 (cyclin dependent kinase like 5; plus strand). Cytogenetic location: Xp22.13.
Variant type: single nucleotide variant.
Coding change: c.1818A>G on transcript NM_001323289.2 (MANE Select); coding-DNA position 1818, A replaced by G.
Protein change: p.Gln606=; no amino-acid change (glutamine 606 retained).
Molecular consequence: synonymous variant.
Genome position (GRCh38, 1-based): chrX:18,604,742, A>G. VCF-style: chrX-18604742-A-G. GRCh37 (hg19) VCF-style: chrX-18622862-A-G.
Other names: p.Q606Q:CAA>CAG; c.1818A>G, p.Gln606= (NM_001037343.2, NM_003159.3).
Identifiers: ClinVar variation 156686 (VCV000156686.16), dbSNP rs587783154, ClinGen allele CA294757.